The following is an entry in ClinVar:

ClinVar aggregate classification (germline): Uncertain significance (1 of 4 stars; one submission).

Conditions:
Hereditary cancer-predisposing syndrome. Also called: Neoplastic Syndromes, Hereditary; Tumor predisposition; Hereditary neoplastic syndrome; Hereditary Cancer Syndrome. Identifiers: Orphanet 140162, MedGen C0027672, MeSH D009386, MONDO:0015356.

Submission:

Ambry Genetics
Classification: Uncertain significance for Hereditary cancer-predisposing syndrome. Last evaluated: 2026-07-06. Review status: criteria provided, single submitter. Criteria: Ambry Variant Classification Scheme 2023. Collection method: clinical testing. Allele origin: germline.
Comment: The p.I390M variant (also known as c.1170C>G), located in coding exon 9 of the APC gene, results from a C to G substitution at nucleotide position 1170. The isoleucine at codon 390 is replaced by methionine, an amino acid with highly similar properties. This amino acid position is conserved. In addition, in silico predictors for this gene do not accurately predict pathogenicity. Based on the available evidence, the clinical significance of this variant remains unclear.

NM_000038.6(APC):c.1170C>G (p.Ile390Met)

Gene: APC (APC regulator of Wnt signaling pathway; plus strand). Cytogenetic location: 5q22.2.
Variant type: single nucleotide variant.
Coding change: c.1170C>G on transcript NM_000038.6 (MANE Select); coding-DNA position 1170, C replaced by G.
Protein change: p.Ile390Met; replaces isoleucine 390 with methionine.
Molecular consequence: missense variant. On other transcripts: non-coding transcript variant (2), intron variant (15).
Genome position (GRCh38, 1-based): chr5:112,819,202, C>G. VCF-style: chr5-112819202-C-G. GRCh37 (hg19) VCF-style: chr5-112154899-C-G.
Other names: c.1086C>G, p.Ile362Met (NM_001354899.2, NM_001407452.1); c.993C>G, p.Ile331Met (NM_001354900.2, NM_001354901.2, NM_001407453.1); c.321C>G, p.Ile107Met (NM_001354906.2, NM_001407470.1); c.1200C>G, p.Ile400Met (NM_001407446.1, NM_001354897.2); c.1170C>G, p.Ile390Met (NM_001407447.1, NM_001407448.1, NM_001407449.1 and 4 more transcripts); c.1095C>G, p.Ile365Met (NM_001407451.1, NM_001354898.2); c.85-67C>G (NM_001407472.1, NM_001407471.1); c.934-67C>G (NM_001407456.1, NM_001407460.1, NM_001407457.1 and 5 more transcripts); and 5 more; short protein forms I107M, I365M, I390M, I400M, I331M, I362M, I372M.
Identifiers: ClinVar variation 5024945 (VCV005024945.1).